The following is an entry in ClinVar:

ClinVar aggregate classification (germline): Uncertain significance (1 of 4 stars; one submission).

Conditions:
Renal cell carcinoma. Identifiers: Orphanet 217071, MedGen C0007134, MeSH D002292, MONDO:0005086, HP:0005584.

gnomAD v4.1: 1 of 1,613,876 alleles (0.000062%); highest among the groups gnomAD compares: Admixed American, 0.0017%; no homozygotes.

Submission:

Labcorp Genetics (formerly Invitae), Labcorp
Classification: Uncertain significance for Renal cell carcinoma. Last evaluated: 2023-03-19. Review status: criteria provided, single submitter. Criteria: Invitae Variant Classification Sherloc (09022015). Collection method: clinical testing. Allele origin: germline.
Comment: This variant is present in population databases (no rsID available, gnomAD 0.003%). In summary, the available evidence is currently insufficient to determine the role of this variant in disease. Therefore, it has been classified as a Variant of Uncertain Significance. Advanced modeling of protein sequence and biophysical properties (such as structural, functional, and spatial information, amino acid conservation, physicochemical variation, residue mobility, and thermodynamic stability) performed at Invitae indicates that this missense variant is not expected to disrupt MET protein function. This variant has not been reported in the literature in individuals affected with MET-related conditions. This sequence change replaces leucine, which is neutral and non-polar, with valine, which is neutral and non-polar, at codon 18 of the MET protein (p.Leu18Val).

NM_000245.4(MET):c.52T>G (p.Leu18Val)

Gene: MET (MET proto-oncogene, receptor tyrosine kinase; plus strand). Cytogenetic location: 7q31.2.
Variant type: single nucleotide variant.
Coding change: c.52T>G on transcript NM_000245.4 (MANE Select); coding-DNA position 52, T replaced by G.
Protein change: p.Leu18Val; replaces leucine 18 with valine.
Molecular consequence: missense variant. On other transcripts: intron variant (1).
Genome position (GRCh38, 1-based): chr7:116,699,136, T>G. VCF-style: chr7-116699136-T-G. GRCh37 (hg19) VCF-style: chr7-116339190-T-G.
Other names: c.52T>G, p.Leu18Val (NM_001127500.3, NM_001324401.3); c.-91+26559T>G (NM_001324402.2); short protein forms L18V.
Identifiers: ClinVar variation 2787263 (VCV002787263.3), dbSNP rs1260001540, ClinGen allele CA368968234.